The following is an entry in ClinVar:

ClinVar aggregate classification (germline): Uncertain significance (1 of 4 stars; one submission).

Conditions:
Primary ciliary dyskinesia. Also called: Ciliary dyskinesia. Identifiers: Orphanet 244, MedGen C0008780, MONDO:0016575, HP:0012265.

Submission:

Labcorp Genetics (formerly Invitae), Labcorp
Classification: Uncertain significance for Primary ciliary dyskinesia. Last evaluated: 2023-04-28. Review status: criteria provided, single submitter. Criteria: Invitae Variant Classification Sherloc (09022015). Collection method: clinical testing. Allele origin: germline.
Comment: In summary, the available evidence is currently insufficient to determine the role of this variant in disease. Therefore, it has been classified as a Variant of Uncertain Significance. Advanced modeling of protein sequence and biophysical properties (such as structural, functional, and spatial information, amino acid conservation, physicochemical variation, residue mobility, and thermodynamic stability) performed at Invitae indicates that this missense variant is expected to disrupt DNAAF5 protein function. This variant has not been reported in the literature in individuals affected with DNAAF5-related conditions. This variant is not present in population databases (gnomAD no frequency). This sequence change replaces alanine, which is neutral and non-polar, with glycine, which is neutral and non-polar, at codon 94 of the DNAAF5 protein (p.Ala94Gly).

NM_017802.4(DNAAF5):c.281C>G (p.Ala94Gly)

Genes: DNAAF5 (dynein axonemal assembly factor 5; plus strand), PRKAR1B (protein kinase cAMP-dependent type I regulatory subunit beta; minus strand). Cytogenetic location: 7p22.3.
Variant type: single nucleotide variant.
Coding change: c.281C>G on transcript NM_017802.4 (MANE Select); coding-DNA position 281, C replaced by G.
Protein change: p.Ala94Gly; replaces alanine 94 with glycine.
Molecular consequence: missense variant. On other transcripts: intron variant (3), non-coding transcript variant (1).
Genome position (GRCh38, 1-based): chr7:727,001, C>G. VCF-style: chr7-727001-C-G. GRCh37 (hg19) VCF-style: chr7-766638-C-G.
Other names: c.-23+209G>C (NM_001164760.2); c.-23+654G>C (NM_001164759.1); c.-23+589G>C (NM_001164758.2); short protein forms A94G.
Identifiers: ClinVar variation 2732840 (VCV002732840.1), dbSNP rs2484002575, ClinGen allele CA366530126.